The following is an entry in ClinVar:

GRCh38/hg38 22q12.1-12.2(chr22:28856144-29506277)x1

Genes: AP1B1 (adaptor related protein complex 1 subunit beta 1; minus strand), C22orf31 (chromosome 22 open reading frame 31; minus strand), EMID1 (EMI domain containing 1; plus strand), EWSR1 (EWS RNA binding protein 1; plus strand), GAS2L1 (growth arrest specific 2 like 1; plus strand) and 31 more. Cytogenetic location: 22q12.1-12.2.
Variant type: copy number loss.
Change: copy number 1 (one copy instead of two) of chr22:28,856,144-29,506,277 (650.1 kb, GRCh38 coordinates, 1-based), cytogenetic band 22q12.1-12.2.
Identifiers: ClinVar variation 59075 (VCV000059075.1).

ClinVar aggregate classification (germline): Pathogenic (1 of 4 stars; one submission).

Submission:

ISCA site 17
Classification: Pathogenic. Last evaluated: 2011-08-12. Review status: criteria provided, single submitter. Criteria: Kaminsky et al. (Genet Med. 2011). Collection method: clinical testing. Allele origin: unknown. Affected: yes. Observed: 1 variant allele.
Comment: Copy number variation identified through the course of routine clinical cytogenomic testing in postnatal populations. Clinical assertions have been curated as described in Kaminsky et al. 2011.